The following is an entry in ClinVar:

ClinVar aggregate classification (germline): Benign. Review status: criteria provided, multiple submitters, no conflicts (2 of 4 stars). 3 submissions from 2 submitters: Benign (3). Last evaluated 2021-05-14.

Conditions:
Charcot-Marie-Tooth disease type 4C (CMT4C). Also called: CHARCOT-MARIE-TOOTH DISEASE, DEMYELINATING, AUTOSOMAL RECESSIVE, TYPE 4C; CMT 4C; Charcot-Marie-Tooth Neuropathy Type 4C (CMT4C); CHARCOT-MARIE-TOOTH DISEASE, DEMYELINATING, TYPE 4C; SH3TC2-Related Hereditary Motor and Sensory Neuropathy. Identifiers: Orphanet 99949, MedGen C1866636, MONDO:0011113, OMIM 601596.
Susceptibility to mononeuropathy of the median nerve, mild. Also called: CARPAL TUNNEL SYNDROME, SUSCEPTIBILITY TO. Identifiers: MedGen C3150596, MONDO:0013237, OMIM 613353.

Allele frequency attached by ClinVar (database versions not stated): gnomAD 0.57641; TOPMed 0.60488; 1000 Genomes Project 0.61801; 1000 Genomes Project 30x 0.61805.
gnomAD v4.1: 89,570 of 151,986 alleles (59%); highest among the groups gnomAD compares: East Asian, 73%; 26,656 homozygotes.

Submissions (3):

GeneDx
Classification: Benign. Last evaluated: 2021-05-14. Review status: criteria provided, single submitter. Criteria: GeneDx Variant Classification Process June 2021. Collection method: clinical testing. Allele origin: germline. Affected: yes.

Illumina Laboratory Services, Illumina
Classification: Benign for Charcot-Marie-Tooth disease type 4C. Last evaluated: 2018-01-13. Review status: criteria provided, single submitter. Criteria: ICSL Variant Classification Criteria 13 December 2019. Collection method: clinical testing. Allele origin: germline.
Comment: This variant was observed in the ICSL laboratory as part of a predisposition screen in an ostensibly healthy population. It had not been previously curated by ICSL or reported in the Human Gene Mutation Database (HGMD: prior to June 1st, 2018), and was therefore a candidate for classification through an automated scoring system. Utilizing variant allele frequency, disease prevalence and penetrance estimates, and inheritance mode, an automated score was calculated to assess if this variant is too frequent to cause the disease. Based on the score and internal cut-off values, a variant classified as benign is not then subjected to further curation. The score for this variant resulted in a classification of benign for this disease.

Illumina Laboratory Services, Illumina
Classification: Benign for Susceptibility to mononeuropathy of the median nerve, mild. Last evaluated: 2018-01-13. Review status: criteria provided, single submitter. Criteria: ICSL Variant Classification Criteria 13 December 2019. Collection method: clinical testing. Allele origin: germline.
Comment: the same text as in the submission from Illumina Laboratory Services, Illumina above.

NM_024577.4(SH3TC2):c.*16020A>C

Gene: SH3TC2 (SH3 domain and tetratricopeptide repeats 2; minus strand). Cytogenetic location: 5q32.
Variant type: single nucleotide variant.
Coding change: c.*16020A>C on transcript NM_024577.4 (MANE Select); 16020 bases downstream of the stop codon, A replaced by C.
Molecular consequence: 3 prime UTR variant.
Genome position (GRCh38, 1-based): chr5:148,988,691, T>G on the plus strand (A>C on the coding strand, the complement: SH3TC2 is on the minus strand). VCF-style: chr5-148988691-T-G. GRCh37 (hg19) VCF-style: chr5-148368254-T-G.
Identifiers: ClinVar variation 351643 (VCV000351643.6), dbSNP rs4543254, ClinGen allele CA10623142.